The following is an entry in ClinVar:

ClinVar aggregate classification (germline): Benign/Likely benign. Review status: criteria provided, multiple submitters, no conflicts (2 of 4 stars). 3 submissions from 3 submitters: Benign (2); Likely benign (1). Last evaluated 2026-01-15.

Conditions:
Charcot-Marie-Tooth disease axonal type 2U. Also called: CHARCOT-MARIE-TOOTH NEUROPATHY, TYPE 2U; CHARCOT-MARIE-TOOTH DISEASE, AXONAL, AUTOSOMAL DOMINANT, TYPE 2U. Identifiers: Orphanet 397735, MedGen C4084821, MONDO:0014566, OMIM 616280.
Severe early-onset pulmonary alveolar proteinosis due to MARS deficiency. Also called: PULMONARY ALVEOLAR PROTEINOSIS, REUNION ISLAND; Interstitial lung and liver disease. Identifiers: Orphanet 440427, MedGen C4225400, MONDO:0014206, OMIM 615486.

Allele frequency attached by ClinVar (database versions not stated): 1000 Genomes Project 30x 0.00515; 1000 Genomes Project 0.00599; gnomAD 0.00071 and 0.00101; TOPMed 0.00082; ExAC 0.00170.
gnomAD v4.1: 1,039 of 1,614,152 alleles (0.064%); highest among the groups gnomAD compares: East Asian, 1.9%; 12 homozygotes.

Submissions (3):

Labcorp Genetics (formerly Invitae), Labcorp
Classification: Benign for Charcot-Marie-Tooth disease axonal type 2U; Severe early-onset pulmonary alveolar proteinosis due to MARS deficiency. Last evaluated: 2026-01-15. Review status: criteria provided, single submitter. Criteria: Invitae Variant Classification Sherloc (09022015). Collection method: clinical testing. Allele origin: germline.

Ambry Genetics
Classification: Likely benign. Last evaluated: 2019-07-11. Review status: criteria provided, single submitter. Criteria: Ambry Variant Classification Scheme 2023. Collection method: clinical testing. Allele origin: germline.

GeneDx
Classification: Benign. Last evaluated: 2016-10-12. Review status: criteria provided, single submitter. Criteria: GeneDx Variant Classification (06012015). Collection method: clinical testing. Allele origin: germline. Affected: yes.
Comment: This variant is considered likely benign or benign based on one or more of the following criteria: it is a conservative change, it occurs at a poorly conserved position in the protein, it is predicted to be benign by multiple in silico algorithms, and/or has population frequency not consistent with disease.

NM_004990.4(MARS1):c.1689C>T (p.Val563=)

Gene: MARS1 (methionyl-tRNA synthetase 1; plus strand). Cytogenetic location: 12q13.3.
Variant type: single nucleotide variant.
Coding change: c.1689C>T on transcript NM_004990.4 (MANE Select); coding-DNA position 1689, C replaced by T.
Protein change: p.Val563=; no amino-acid change (valine 563 retained).
Molecular consequence: synonymous variant.
Genome position (GRCh38, 1-based): chr12:57,512,289, C>T. VCF-style: chr12-57512289-C-T. GRCh37 (hg19) VCF-style: chr12-57906072-C-T.
Identifiers: ClinVar variation 389203 (VCV000389203.15), dbSNP rs117833843, ClinGen allele CA6650589.